The following is an entry in ClinVar:

ClinVar aggregate classification (germline): Likely pathogenic (1 of 4 stars; one submission).

Conditions:
Dilated cardiomyopathy 1G (CMD1G). Identifiers: Orphanet 154, MedGen C1858763, MONDO:0011400, OMIM 604145.
Autosomal recessive limb-girdle muscular dystrophy type 2J (LGMDR10). Also called: MUSCULAR DYSTROPHY, LIMB-GIRDLE, AUTOSOMAL RECESSIVE 10; Limb-girdle muscular dystrophy, type 2J. Identifiers: Orphanet 140922, MedGen C1837342, MONDO:0012127, OMIM 608807.

Submission:

Labcorp Genetics (formerly Invitae), Labcorp
Classification: Likely pathogenic for Dilated cardiomyopathy 1G; Autosomal recessive limb-girdle muscular dystrophy type 2J. Last evaluated: 2025-11-23. Review status: criteria provided, single submitter. Criteria: Invitae Variant Classification Sherloc (09022015). Collection method: clinical testing. Allele origin: germline.
Comment: This sequence change creates a premature translational stop signal (p.Gly30552Glufs*7) in the TTN gene. While this is not anticipated to result in nonsense mediated decay, it is expected to create a truncated TTN protein. This variant is not present in population databases (gnomAD no frequency). This premature translational stop signal has been observed in individual(s) with clinical features of dilated cardiomyopathy (internal data). ClinVar contains an entry for this variant (Variation ID: 1502345). This variant is located in the A band of TTN (PMID: 25589632). Truncating variants in this region are significantly overrepresented in patients affected with dilated cardiomyopathy (PMID: 25589632). Truncating variants in this region have also been reported in individuals affected with autosomal recessive centronuclear myopathy (PMID: 23975875). In summary, the currently available evidence indicates that the variant is pathogenic, but additional data are needed to prove that conclusively. Therefore, this variant has been classified as Likely Pathogenic.

Literature cited by the submitters: PubMed 25589632; PubMed 23975875.

NM_001267550.2(TTN):c.91655del (p.Gly30552fs)

Genes: TTN (titin; minus strand), TTN-AS1 (TTN antisense RNA 1; plus strand). Cytogenetic location: 2q31.2.
Variant type: Deletion.
Coding change: c.91655del on transcript NM_001267550.2 (MANE Select); coding-DNA position 91655, one base deleted (G; older notation c.91655delG).
Protein change: p.Gly30552fs; shifts the reading frame from glycine 30552.
Molecular consequence: frameshift variant.
Genome position (GRCh38, 1-based): chr2:178,550,183, C deleted on the plus strand (G on the coding strand, the reverse complement: TTN is on the minus strand); the first of 2 consecutive C bases (chr2:178,550,183-178,550,184); deleting either gives the same sequence. VCF-style (leftmost placement, unchanged base first): chr2-178550182-TC-T. GRCh37 (hg19) VCF-style: chr2-179414909-TC-T.
Other names: c.86732del, p.Gly28911fs (NM_001256850.1); c.64460del, p.Gly21487fs (NM_003319.4); c.83951del, p.Gly27984fs (NM_133378.4); c.64835del, p.Gly21612fs (NM_133432.3); c.65036del, p.Gly21679fs (NM_133437.4); short protein forms G21679fs, G28911fs, G21487fs, G21612fs, G27984fs, G30552fs.
Identifiers: ClinVar variation 1502345 (VCV001502345.6), dbSNP rs1698781465, ClinGen allele CA1310520264.